The following is an entry in ClinVar:

NM_001394998.1(TANC2):c.1020A>C (p.Pro340=)

Gene: TANC2 (tetratricopeptide repeat, ankyrin repeat and coiled-coil containing 2; plus strand). Cytogenetic location: 17q23.3.
Variant type: single nucleotide variant.
Coding change: c.1020A>C on transcript NM_001394998.1 (MANE Select); coding-DNA position 1020, A replaced by C.
Protein change: p.Pro340=; no amino-acid change (proline 340 retained).
Molecular consequence: synonymous variant.
Genome position (GRCh38, 1-based): chr17:63,238,064, A>C. VCF-style: chr17-63238064-A-C. GRCh37 (hg19) VCF-style: chr17-61315425-A-C.
Other names: c.798A>C, p.Pro266= (NM_001411076.1, NM_025185.4).
Identifiers: ClinVar variation 2648042 (VCV002648042.24), dbSNP rs558417554, ClinGen allele CA8697480.
Genomic context (GRCh38, chr17:63,238,064, plus strand): 5'-TTTGGAAACAGTGTTATCTCAATCAGTACAGTCTATTCCTTTGTATCTCATGCCACGGCC[A>C]AATTCAGTAGCAGGTAAGTTTTTGTTGTTGTTGTTGTTGTTGCTGTTGTTAAATAATCAT-3'
Protein context (NP_001381927.1, residues 330-350): QSIPLYLMPR[Pro340=]NSVAATSSAH

ClinVar aggregate classification (germline): Likely benign (1 of 4 stars; one submission).

Allele frequency attached by ClinVar (database versions not stated): ExAC 0.00005; gnomAD 0.00005; 1000 Genomes Project 0.00020; 1000 Genomes Project 30x 0.00031.
gnomAD v4.1: 228 of 1,537,126 alleles (0.015%); highest among the groups gnomAD compares: Non-Finnish European, 0.018%; no homozygotes.

Submission:

CeGaT Center for Human Genetics Tuebingen
Classification: Likely benign. Last evaluated: 2023-04-01. Review status: criteria provided, single submitter. Criteria: CeGaT Center For Human Genetics Tuebingen Variant Classification Criteria Version 2. Collection method: clinical testing. Allele origin: germline. Affected: yes. Observed: 2 variant alleles.
Comment: TANC2: BP4